The following is an entry in ClinVar:

ClinVar aggregate classification (germline): Uncertain significance (1 of 4 stars; one submission).

gnomAD v4.1: 1 of 1,608,994 alleles (0.000062%); highest among the groups gnomAD compares: Non-Finnish European, 0.000085%; no homozygotes.

Submission:

GeneDx
Classification: Uncertain significance. Last evaluated: 2024-03-13. Review status: criteria provided, single submitter. Criteria: GeneDx Variant Classification Process June 2021. Collection method: clinical testing. Allele origin: germline. Affected: yes.
Comment: Has not been previously published as pathogenic or benign to our knowledge; Not observed at significant frequency in large population cohorts (gnomAD); Occurs in the triple helical domain at the X position in the canonical Gly-X-Y repeat; although this variant may have an effect on normal protein folding and function, missense substitution at the X position is not a common mechanism of disease (PMID: 22696272; HGMD); In silico analysis supports that this missense variant has a deleterious effect on protein structure/function; This variant is associated with the following publications: (PMID: 22696272)

NM_000093.5(COL5A1):c.3434C>T (p.Pro1145Leu)

Gene: COL5A1 (collagen type V alpha 1 chain; plus strand). Cytogenetic location: 9q34.3.
Variant type: single nucleotide variant.
Coding change: c.3434C>T on transcript NM_000093.5 (MANE Select); coding-DNA position 3434, C replaced by T.
Protein change: p.Pro1145Leu; replaces proline 1145 with leucine.
Molecular consequence: missense variant.
Genome position (GRCh38, 1-based): chr9:134,809,250, C>T. VCF-style: chr9-134809250-C-T. GRCh37 (hg19) VCF-style: chr9-137701096-C-T.
Other names: c.3434C>T, p.Pro1145Leu (NM_001278074.1); short protein forms P1145L.
Identifiers: ClinVar variation 3370973 (VCV003370973.1).